The following is an entry in ClinVar:

ClinVar aggregate classification (germline): Uncertain significance (1 of 4 stars; one submission).

gnomAD v4.1: 12 of 1,609,222 alleles (0.00075%); highest among the groups gnomAD compares: African/African-American, 0.0013%; no homozygotes.

Submission:

Women's Health and Genetics/Laboratory Corporation of America, LabCorp
Classification: Uncertain significance. Last evaluated: 2025-12-23. Review status: criteria provided, single submitter. Criteria: LabCorp Variant Classification Summary - May 2015. Collection method: clinical testing. Allele origin: germline.
Comment: Variant summary: VWA3B c.1312-2A>G is located in a canonical splice-site and is predicted to affect mRNA splicing resulting in a significantly altered protein due to either exon skipping, shortening, or inclusion of intronic material. Variants that disrupt the consensus splice site are a relatively common cause of aberrant splicing, however current evidence is not sufficient to establish loss of function as a mechanism for disease. Several computational tools predict a significant impact on normal splicing: Four predict the variant abolishes a 3' acceptor site. However, these predictions have yet to be confirmed by functional studies. The variant allele was found at a frequency of 1.6e-05 in 244874 control chromosomes. The available data on variant occurrences in the general population are insufficient to allow any conclusion about variant significance. To our knowledge, no occurrence of c.1312-2A>G in individuals affected with VWA3B-related conditions and no experimental evidence demonstrating its impact on protein function have been reported. No submitters have cited clinical-significance assessments for this variant to ClinVar. Based on the evidence outlined above, the variant was classified as uncertain significance.

NM_144992.5(VWA3B):c.1312-2A>G

Gene: VWA3B (von Willebrand factor A domain containing 3B; plus strand). Cytogenetic location: 2q11.2.
Variant type: single nucleotide variant.
Coding change: c.1312-2A>G on transcript NM_144992.5 (MANE Select); the canonical splice acceptor site of the intron before coding-DNA position 1312, A replaced by G.
Molecular consequence: splice acceptor variant.
Genome position (GRCh38, 1-based): chr2:98,187,973, A>G. VCF-style: chr2-98187973-A-G. GRCh37 (hg19) VCF-style: chr2-98804436-A-G.
Other names: c.283-2A>G (NM_001345864.2).
Identifiers: ClinVar variation 4688857 (VCV004688857.1).